The following is an entry in ClinVar:

NM_170606.3(KMT2C):c.13739A>G (p.Tyr4580Cys)

Gene: KMT2C (lysine methyltransferase 2C; minus strand). Cytogenetic location: 7q36.1.
Variant type: single nucleotide variant.
Coding change: c.13739A>G on transcript NM_170606.3 (MANE Select); coding-DNA position 13739, A replaced by G.
Protein change: p.Tyr4580Cys; replaces tyrosine 4580 with cysteine.
Molecular consequence: missense variant.
Genome position (GRCh38, 1-based): chr7:152,148,188, T>C on the plus strand (A>G on the coding strand, the complement: KMT2C is on the minus strand). VCF-style: chr7-152148188-T-C. GRCh37 (hg19) VCF-style: chr7-151845273-T-C.
Other names: short protein forms Y4580C.
Identifiers: ClinVar variation 4278538 (VCV004278538.1).
Genomic context (GRCh38, chr7:152,148,188, plus strand): 5'-CACAGGTAGCGGCAGCGCCTATTGGCATAGCGAGTGCTCCAGTACAGCCGGCTGGCTTCA[T>C]AGCCCACAGGGAAGAGTGCTTTAGGAGAATGGAATGCTTGCATCTGCTGTGGAAGCAGCT-3'
Protein context (NP_733751.2, residues 4570-4590): HSPKALFPVG[Tyr4580Cys]EASRLYWSTR

ClinVar aggregate classification (germline): Uncertain significance (1 of 4 stars; one submission).

Submission:

GeneDx
Classification: Uncertain significance. Last evaluated: 2025-04-04. Review status: criteria provided, single submitter. Criteria: GeneDx Variant Classification Process June 2021. Collection method: clinical testing. Allele origin: germline. Affected: yes.
Comment: Not observed at significant frequency in large population cohorts (gnomAD); In silico analysis supports that this missense variant has a deleterious effect on protein structure/function; Has not been previously published as pathogenic or benign to our knowledge